The following is an entry in ClinVar:

ClinVar aggregate classification (germline): Uncertain significance. Review status: criteria provided, multiple submitters, no conflicts (2 of 4 stars). 2 submissions from 2 submitters: Uncertain significance (2). Last evaluated 2025-04-12.

Allele frequency attached by ClinVar (database versions not stated): ExAC 0.00001; ESP Exome Variant Server 0.00008; gnomAD 0.00010 and 0.00011; TOPMed 0.00010.
gnomAD v4.1: 27 of 1,613,988 alleles (0.0017%); highest among the groups gnomAD compares: African/African-American, 0.035%; no homozygotes.

Submissions (2):

Ambry Genetics
Classification: Uncertain significance. Last evaluated: 2025-04-12. Review status: criteria provided, single submitter. Criteria: Ambry Variant Classification Scheme 2023. Collection method: clinical testing. Allele origin: germline.

Labcorp Genetics (formerly Invitae), Labcorp
Classification: Uncertain significance. Last evaluated: 2025-01-23. Review status: criteria provided, single submitter. Criteria: Invitae Variant Classification Sherloc (09022015). Collection method: clinical testing. Allele origin: germline.
Comment: This sequence change replaces alanine, which is neutral and non-polar, with proline, which is neutral and non-polar, at codon 374 of the ARSG protein (p.Ala374Pro). This variant is present in population databases (rs377188269, gnomAD 0.03%). This variant has not been reported in the literature in individuals affected with ARSG-related conditions. ClinVar contains an entry for this variant (Variation ID: 1064336). Invitae Evidence Modeling of protein sequence and biophysical properties (such as structural, functional, and spatial information, amino acid conservation, physicochemical variation, residue mobility, and thermodynamic stability) indicates that this missense variant is expected to disrupt ARSG protein function with a positive predictive value of 80%. In summary, the available evidence is currently insufficient to determine the role of this variant in disease. Therefore, it has been classified as a Variant of Uncertain Significance.

NM_001267727.2(ARSG):c.1120G>C (p.Ala374Pro)

Gene: ARSG (arylsulfatase G; plus strand). Cytogenetic location: 17q24.2.
Variant type: single nucleotide variant.
Coding change: c.1120G>C on transcript NM_001267727.2 (MANE Select); coding-DNA position 1120, G replaced by C.
Protein change: p.Ala374Pro; replaces alanine 374 with proline.
Molecular consequence: missense variant.
Genome position (GRCh38, 1-based): chr17:68,395,101, G>C. VCF-style: chr17-68395101-G-C. GRCh37 (hg19) VCF-style: chr17-66391242-G-C.
Other names: c.1120G>C (NM_014960.3); c.1120G>C, p.Ala374Pro (NM_001352899.2, NM_001352900.2, NM_001352901.2 and 3 more transcripts); c.1117G>C, p.Ala373Pro (NM_001352903.2, NM_001352904.2, NM_001352905.2 and 2 more transcripts); c.1072G>C, p.Ala358Pro (NM_001352909.2); short protein forms A358P, A373P, A374P.
Identifiers: ClinVar variation 1064336 (VCV001064336.12), dbSNP rs377188269, ClinGen allele CA8728492.